The following is an entry in ClinVar:

ClinVar aggregate classification (germline): Uncertain significance. Review status: criteria provided, multiple submitters, no conflicts (2 of 4 stars). 2 submissions from 2 submitters: Uncertain significance (2). Last evaluated 2021-12-02.

Allele frequency attached by ClinVar (database versions not stated): TOPMed below 0.00001; ExAC 0.00002; gnomAD exomes 0.00002.
gnomAD v4.1: 28 of 1,604,350 alleles (0.0017%); highest among the groups gnomAD compares: Admixed American, 0.0052%; no homozygotes.

Submissions (2):

Blueprint Genetics
Classification: Uncertain significance. Last evaluated: 2021-12-02. Review status: criteria provided, single submitter. Criteria: ACMG Guidelines, 2015. Collection method: clinical testing. Allele origin: germline.

Labcorp Genetics (formerly Invitae), Labcorp
Classification: Uncertain significance. Last evaluated: 2020-11-16. Review status: criteria provided, single submitter. Criteria: Invitae Variant Classification Sherloc (09022015). Collection method: clinical testing. Allele origin: germline.
Comment: This variant has not been reported in the literature in individuals with IFT81-related conditions. This variant is present in population databases (rs764927115, ExAC 0.003%). This sequence change replaces methionine with valine at codon 570 of the IFT81 protein (p.Met570Val). The methionine residue is highly conserved and there is a small physicochemical difference between methionine and valine. In summary, the available evidence is currently insufficient to determine the role of this variant in disease. Therefore, it has been classified as a Variant of Uncertain Significance. Algorithms developed to predict the effect of missense changes on protein structure and function output the following: SIFT: "Deleterious"; PolyPhen-2: "Benign"; Align-GVGD: "Class C0". The valine amino acid residue is found in multiple mammalian species, suggesting that this missense change does not adversely affect protein function. These predictions have not been confirmed by published functional studies and their clinical significance is uncertain.

NM_014055.4(IFT81):c.1708A>G (p.Met570Val)

Gene: IFT81 (intraflagellar transport 81; plus strand). Cytogenetic location: 12q24.11.
Variant type: single nucleotide variant.
Coding change: c.1708A>G on transcript NM_014055.4 (MANE Select); coding-DNA position 1708, A replaced by G.
Protein change: p.Met570Val; replaces methionine 570 with valine.
Molecular consequence: missense variant. On other transcripts: non-coding transcript variant (4).
Genome position (GRCh38, 1-based): chr12:110,205,506, A>G. VCF-style: chr12-110205506-A-G. GRCh37 (hg19) VCF-style: chr12-110643311-A-G.
Other names: c.1708A>G, p.Met570Val (NM_001143779.2); c.778A>G, p.Met260Val (NM_001347947.2, NM_001347948.2); short protein forms M260V, M570V.
Identifiers: ClinVar variation 1037946 (VCV001037946.7), dbSNP rs764927115, ClinGen allele CA6783451.
Genomic context (GRCh38, chr12:110,205,506, plus strand): 5'-GTTAGAAGACTCCGTGAAGAATGTCTTCAAGAAGAAAGTAGATACCATTATACAAATTGT[A>G]TGATTAAGGTAAGACAAAGTAGATCAAAAACATTTCTGAGTTTTTTCTATATCAAAGTCT-3'
Protein context (NP_054774.2, residues 560-580): EESRYHYTNC[Met570Val]IKNLEVQLRR